The following is an entry in ClinVar:

ClinVar aggregate classification (germline): Likely pathogenic (1 of 4 stars; one submission).

Conditions:
Dilated cardiomyopathy 1G (CMD1G). Identifiers: Orphanet 154, MedGen C1858763, MONDO:0011400, OMIM 604145.
Autosomal recessive limb-girdle muscular dystrophy type 2J (LGMDR10). Also called: Limb-girdle muscular dystrophy, type 2J; MUSCULAR DYSTROPHY, LIMB-GIRDLE, AUTOSOMAL RECESSIVE 10. Identifiers: Orphanet 140922, MedGen C1837342, MONDO:0012127, OMIM 608807.

Submission:

Labcorp Genetics (formerly Invitae), Labcorp
Classification: Likely pathogenic for Dilated cardiomyopathy 1G; Autosomal recessive limb-girdle muscular dystrophy type 2J. Last evaluated: 2025-06-12. Review status: criteria provided, single submitter. Criteria: Invitae Variant Classification Sherloc (09022015). Collection method: clinical testing. Allele origin: germline.
Comment: This sequence change affects a donor splice site in intron 210 of the TTN gene. It is expected to disrupt RNA splicing and likely results in a truncated or disrupted TTN protein. This variant is not present in population databases (gnomAD no frequency). This variant has not been reported in the literature in individuals affected with TTN-related conditions. ClinVar contains an entry for this variant (Variation ID: 3749635). Algorithms developed to predict the effect of sequence changes on RNA splicing suggest that this variant may disrupt the consensus splice site. This variant is located in the I band of TTN (PMID: 25589632). Truncating variants in this region have been reported in individuals affected with autosomal recessive centronuclear myopathy (PMID: 23975875, internal data). Truncating variants in this region have also been identified in individuals affected with autosomal dominant dilated cardiomyopathy and/or cardio-related conditions (PMID: 27869827, 32964742, internal data). In summary, the currently available evidence indicates that the variant is pathogenic, but additional data are needed to prove that conclusively. Therefore, this variant has been classified as Likely Pathogenic.

Literature cited by the submitters: PubMed 25589632; PubMed 23975875; PubMed 27869827; PubMed 32964742.

NM_001267550.2(TTN):c.39817+1G>A

Gene: TTN (titin; minus strand). Cytogenetic location: 2q31.2.
Variant type: single nucleotide variant.
Coding change: c.39817+1G>A on transcript NM_001267550.2 (MANE Select); the canonical splice donor site of the intron after coding-DNA position 39817, G replaced by A.
Molecular consequence: splice donor variant. On other transcripts: intron variant (3).
Genome position (GRCh38, 1-based): chr2:178,650,163, C>T on the plus strand (G>A on the coding strand, the complement: TTN is on the minus strand). VCF-style: chr2-178650163-C-T. GRCh37 (hg19) VCF-style: chr2-179514890-C-T.
Other names: c.13283-7846G>A (NM_003319.4); c.13859-7846G>A (NM_133437.4); c.13658-7846G>A (NM_133432.3); c.32515+1G>A (NM_133378.4); c.35296+1G>A (NM_001256850.1).
Identifiers: ClinVar variation 3749635 (VCV003749635.2).